The following is an entry in ClinVar:

ClinVar aggregate classification (germline): Uncertain significance (1 of 4 stars; one submission).

Submission:

CeGaT Center for Human Genetics Tuebingen
Classification: Uncertain significance. Last evaluated: 2025-09-01. Review status: criteria provided, single submitter. Criteria: CeGaT Center For Human Genetics Tuebingen Variant Classification Criteria Version 2. Collection method: clinical testing. Allele origin: germline. Affected: yes. Observed: 1 variant allele.
Comment: CHD5: PM2, PP2, PP3

NM_015557.3(CHD5):c.566G>A (p.Gly189Asp)

Gene: CHD5 (chromodomain helicase DNA binding protein 5; minus strand). Cytogenetic location: 1p36.31.
Variant type: single nucleotide variant.
Coding change: c.566G>A on transcript NM_015557.3 (MANE Select); coding-DNA position 566, G replaced by A.
Protein change: p.Gly189Asp; replaces glycine 189 with aspartic acid.
Molecular consequence: missense variant.
Genome position (GRCh38, 1-based): chr1:6,154,839, C>T on the plus strand (G>A on the coding strand, the complement: CHD5 is on the minus strand). VCF-style: chr1-6154839-C-T. GRCh37 (hg19) VCF-style: chr1-6214899-C-T.
Other names: short protein forms G189D.
Identifiers: ClinVar variation 4281550 (VCV004281550.7).